The following is an entry in ClinVar:

ClinVar aggregate classification (germline): Uncertain significance. Review status: criteria provided, multiple submitters, no conflicts (2 of 4 stars). 2 submissions from 2 submitters: Uncertain significance (2). Last evaluated 2025-06-03.

Allele frequency attached by ClinVar (database versions not stated): gnomAD exomes 0.00006 and 0.00008; ExAC 0.00007; 1000 Genomes Project 0.00020; gnomAD 0.00021 and 0.00024; ESP Exome Variant Server 0.00023; 1000 Genomes Project 30x 0.00031; TOPMed 0.00032.

Submissions (2):

Labcorp Genetics (formerly Invitae), Labcorp
Classification: Uncertain significance. Last evaluated: 2025-06-03. Review status: criteria provided, single submitter. Criteria: Invitae Variant Classification Sherloc (09022015). Collection method: clinical testing. Allele origin: germline.
Comment: This sequence change replaces arginine, which is basic and polar, with tryptophan, which is neutral and slightly polar, at codon 93 of the GEN1 protein (p.Arg93Trp). This variant is present in population databases (rs201492858, gnomAD 0.08%), and has an allele count higher than expected for a pathogenic variant. This variant has not been reported in the literature in individuals affected with GEN1-related conditions. ClinVar contains an entry for this variant (Variation ID: 851072). An algorithm developed to predict the effect of missense changes on protein structure and function (PolyPhen-2) suggests that this variant is likely to be disruptive. In summary, the available evidence is currently insufficient to determine the role of this variant in disease. Therefore, it has been classified as a Variant of Uncertain Significance.

Ambry Genetics
Classification: Uncertain significance. Last evaluated: 2025-01-24. Review status: criteria provided, single submitter. Criteria: Ambry Variant Classification Scheme 2023. Collection method: clinical testing. Allele origin: germline.

NM_001130009.3(GEN1):c.277C>T (p.Arg93Trp)

Gene: GEN1 (GEN1 structure-specific endonuclease; plus strand). Cytogenetic location: 2p24.2.
Variant type: single nucleotide variant.
Coding change: c.277C>T on transcript NM_001130009.3 (MANE Select); coding-DNA position 277, C replaced by T.
Protein change: p.Arg93Trp; replaces arginine 93 with tryptophan.
Molecular consequence: missense variant.
Genome position (GRCh38, 1-based): chr2:17,761,511, C>T. VCF-style: chr2-17761511-C-T. GRCh37 (hg19) VCF-style: chr2-17942778-C-T.
Other names: c.277C>T, p.Arg93Trp (NM_182625.5); c.277C>T (NM_001130009.1); short protein forms R93W.
Identifiers: ClinVar variation 851072 (VCV000851072.11), dbSNP rs201492858, ClinGen allele CA1540368.